The following is an entry in ClinVar:

NM_001042492.3(NF1):c.5093C>T (p.Thr1698Ile)

Gene: NF1 (neurofibromin 1; plus strand). Cytogenetic location: 17q11.2.
Variant type: single nucleotide variant.
Coding change: c.5093C>T on transcript NM_001042492.3 (MANE Select); coding-DNA position 5093, C replaced by T.
Protein change: p.Thr1698Ile; replaces threonine 1698 with isoleucine.
Molecular consequence: missense variant.
Genome position (GRCh38, 1-based): chr17:31,326,077, C>T. VCF-style: chr17-31326077-C-T. GRCh37 (hg19) VCF-style: chr17-29653095-C-T.
Other names: c.5030C>T, p.Thr1677Ile (NM_000267.4); short protein forms T1698I, T1677I.
Identifiers: ClinVar variation 2920256 (VCV002920256.4), dbSNP rs769469854, ClinGen allele CA8487134.

ClinVar aggregate classification (germline): Uncertain significance. Review status: criteria provided, multiple submitters, no conflicts (2 of 4 stars). 2 submissions from 2 submitters: Uncertain significance (2). Last evaluated 2025-01-27.

Conditions:
Neurofibromatosis, type 1 (NF1). Also called: Neurofibromatosis, type I; VON RECKLINGHAUSEN DISEASE; NEUROFIBROMATOSIS, TYPE I, SOMATIC; Peripheral type neurofibromatosis. Identifiers: Orphanet 636, MedGen C0027831, MONDO:0018975, OMIM 162200. Disease mechanism: loss of function.
Café-au-lait macules with pulmonary stenosis (WTSN). Also called: PULMONIC STENOSIS WITH CAFE-AU-LAIT SPOTS. Identifiers: MedGen C0553586, MONDO:0008672, OMIM 193520.
Juvenile myelomonocytic leukemia (JMML). Also called: LEUKEMIA, JUVENILE MYELOMONOCYTIC, SOMATIC. Identifiers: Orphanet 86834, MedGen C0349639, MONDO:0011908, OMIM 607785, HP:0012209.
Neurofibromatosis-Noonan syndrome (NFNS). Also called: NEUROFIBROMATOSIS WITH NOONAN PHENOTYPE. Identifiers: Orphanet 638, MedGen C2931482, MONDO:0011035, OMIM 601321. Disease mechanism: loss of function.
Neurofibromatosis, familial spinal (FSNF). Identifiers: Orphanet 636, MedGen C1834235, MONDO:0008078, OMIM 162210. Disease mechanism: loss of function.

Allele frequency attached by ClinVar (database versions not stated): TOPMed below 0.00001; ExAC 0.00002.
gnomAD v4.1: 4 of 1,614,022 alleles (0.00025%); highest among the groups gnomAD compares: South Asian, 0.0022%; no homozygotes.

Submissions (2):

Labcorp Genetics (formerly Invitae), Labcorp
Classification: Uncertain significance for Neurofibromatosis, type 1. Last evaluated: 2025-01-27. Review status: criteria provided, single submitter. Criteria: Invitae Variant Classification Sherloc (09022015). Collection method: clinical testing. Allele origin: germline.
Comment: This sequence change replaces threonine, which is neutral and polar, with isoleucine, which is neutral and non-polar, at codon 1677 of the NF1 protein (p.Thr1677Ile). This variant is present in population databases (rs769469854, gnomAD 0.003%). This variant has not been reported in the literature in individuals affected with NF1-related conditions. ClinVar contains an entry for this variant (Variation ID: 2920256). Invitae Evidence Modeling of protein sequence and biophysical properties (such as structural, functional, and spatial information, amino acid conservation, physicochemical variation, residue mobility, and thermodynamic stability) has been performed for this missense variant. However, the output from this modeling did not meet the statistical confidence thresholds required to predict the impact of this variant on NF1 protein function. In summary, the available evidence is currently insufficient to determine the role of this variant in disease. Therefore, it has been classified as a Variant of Uncertain Significance.

Fulgent Genetics
Classification: Uncertain significance for Neurofibromatosis, type 1; Neurofibromatosis, familial spinal; Café-au-lait macules with pulmonary stenosis; Neurofibromatosis-Noonan syndrome; Juvenile myelomonocytic leukemia. Last evaluated: 2024-06-11. Review status: criteria provided, single submitter. Criteria: ACMG Guidelines, 2015. Collection method: clinical testing. Allele origin: germline.